The following is an entry in ClinVar:

NM_178857.6(RP1L1):c.420C>A (p.Gly140=)

Gene: RP1L1 (RP1 like 1). Cytogenetic location: 8p23.1.
Variant type: single nucleotide variant.
Coding change: c.420C>A on transcript NM_178857.6 (MANE Select); coding-DNA position 420, C replaced by A.
Protein change: p.Gly140=; no amino-acid change (glycine 140 retained).
Molecular consequence: synonymous variant.
Genome position (GRCh38, 1-based): chr8:10,622,782, G>T on the plus strand (C>A on the coding strand, the complement: RP1L1 is on the minus strand). VCF-style: chr8-10622782-G-T. GRCh37 (hg19) VCF-style: chr8-10480292-G-T.
Identifiers: ClinVar variation 361411 (VCV000361411.19), dbSNP rs79465957, ClinGen allele CA4625709.

ClinVar aggregate classification (germline): Benign/Likely benign. Review status: criteria provided, multiple submitters, no conflicts (2 of 4 stars). 6 submissions from 6 submitters: Benign (3); Likely benign (1). 2 of the submissions do not count toward it. Last evaluated 2026-02-02.

Conditions:
Occult macular dystrophy (OCMD). Also called: OMD; OCCULT MACULAR DYSTROPHY, SUSCEPTIBILITY TO. Identifiers: Orphanet 247834, MedGen C3150833, MONDO:0013316, OMIM 613587, HP:0030636.

Allele frequency attached by ClinVar (database versions not stated): ESP Exome Variant Server 0.00499; gnomAD 0.00615; 1000 Genomes Project 0.00639; 1000 Genomes Project 30x 0.00656; TOPMed 0.00688.
gnomAD v4.1: 1,861 of 1,613,922 alleles (0.12%); highest among the groups gnomAD compares: African/African-American, 2.2%; 21 homozygotes.

Submissions (6):

Labcorp Genetics (formerly Invitae), Labcorp
Classification: Benign. Last evaluated: 2026-02-02. Review status: criteria provided, single submitter. Criteria: Invitae Variant Classification Sherloc (09022015). Collection method: clinical testing. Allele origin: germline.

Blueprint Genetics
Classification: Likely benign. Last evaluated: 2024-11-26. Review status: criteria provided, single submitter. Criteria: ACMG Guidelines, 2015. Collection method: clinical testing. Allele origin: germline.

Illumina Laboratory Services, Illumina
Classification: Benign for Occult macular dystrophy. Last evaluated: 2018-01-13. Review status: criteria provided, single submitter. Criteria: ICSL Variant Classification Criteria 13 December 2019. Collection method: clinical testing. Allele origin: germline.
Comment: This variant was observed in the ICSL laboratory as part of a predisposition screen in an ostensibly healthy population. It had not been previously curated by ICSL or reported in the Human Gene Mutation Database (HGMD: prior to June 1st, 2018), and was therefore a candidate for classification through an automated scoring system. Utilizing variant allele frequency, disease prevalence and penetrance estimates, and inheritance mode, an automated score was calculated to assess if this variant is too frequent to cause the disease. Based on the score and internal cut-off values, a variant classified as benign is not then subjected to further curation. The score for this variant resulted in a classification of benign for this disease.

Breakthrough Genomics
Classification: Benign. Review status: criteria provided, single submitter. Criteria: ACMG Guidelines, 2015. Collection method: not provided. Allele origin: germline. Inheritance: Autosomal recessive inheritance. Affected: yes.

Clinical Genetics DNA and cytogenetics Diagnostics Lab, Erasmus MC, Erasmus Medical Center
Classification: Likely benign. Review status: no assertion criteria provided. Collection method: clinical testing. Allele origin: germline. Affected: yes. Study: VKGL Data-share Consensus. Not counted in ClinVar's aggregate classification.

Clinical Genetics, Academic Medical Center
Classification: Benign. Review status: no assertion criteria provided. Collection method: clinical testing. Allele origin: germline. Affected: yes. Study: VKGL Data-share Consensus. Not counted in ClinVar's aggregate classification.